The following is an entry in ClinVar:

ClinVar aggregate classification (germline): Uncertain significance (1 of 4 stars; one submission).

Submission:

Labcorp Genetics (formerly Invitae), Labcorp
Classification: Uncertain significance. Last evaluated: 2025-04-28. Review status: criteria provided, single submitter. Criteria: Invitae Variant Classification Sherloc (09022015). Collection method: clinical testing. Allele origin: germline.
Comment: This sequence change replaces glycine, which is neutral and non-polar, with cysteine, which is neutral and slightly polar, at codon 904 of the TTBK2 protein (p.Gly904Cys). This variant is not present in population databases (gnomAD no frequency). This variant has not been reported in the literature in individuals affected with TTBK2-related conditions. ClinVar contains an entry for this variant (Variation ID: 2836726). An algorithm developed to predict the effect of missense changes on protein structure and function (PolyPhen-2) suggests that this variant is likely to be disruptive. In summary, the available evidence is currently insufficient to determine the role of this variant in disease. Therefore, it has been classified as a Variant of Uncertain Significance.

NM_173500.4(TTBK2):c.2710G>T (p.Gly904Cys)

Gene: TTBK2 (tau tubulin kinase 2; minus strand). Cytogenetic location: 15q15.2.
Variant type: single nucleotide variant.
Coding change: c.2710G>T on transcript NM_173500.4 (MANE Select); coding-DNA position 2710, G replaced by T.
Protein change: p.Gly904Cys; replaces glycine 904 with cysteine.
Molecular consequence: missense variant.
Genome position (GRCh38, 1-based): chr15:42,752,536, C>A on the plus strand (G>T on the coding strand, the complement: TTBK2 is on the minus strand). VCF-style: chr15-42752536-C-A. GRCh37 (hg19) VCF-style: chr15-43044734-C-A.
Other names: short protein forms G904C.
Identifiers: ClinVar variation 2836726 (VCV002836726.3), dbSNP rs1300116213, ClinGen allele CA392071888.